The following is an entry in ClinVar:

ClinVar aggregate classification (germline): Uncertain significance (3 of 4 stars; one submission).

Conditions:
Open-angle glaucoma. Identifiers: MedGen C0017612, MONDO:0005338, HP:0012108.

Submission:

ClinGen Glaucoma Variant Curation Expert Panel
Classification: Uncertain significance for Open-angle glaucoma. Last evaluated: 2025-11-12. Review status: reviewed by expert panel. Criteria: ClinGen Glaucoma ACMG Specifications V2.0.0 Approved. Collection method: curation. Allele origin: germline. Inheritance: Autosomal dominant inheritance.
Comment: The c.1483G>A variant in MYOC is a missense variant predicted to cause substitution of Valine by Isoleucine at amino acid 495 (p.Val495Ile). This variant was not found in any genetic ancestry group of gnomAD (v4.1.0), meeting the ≤ 0.0001 threshold set for PM2_Supporting in a genetic ancestry group of at least 10,000 alleles. The REVEL score = 0.424, which was neither above nor below the thresholds for PP3 (≥ 0.644) or BP4 (≤ 0.290), predicting a damaging or benign impact on MYOC function. The Val495Ile protein had similar solubility levels compared to wild type myocilin protein in this study (PMID: 10545602). The assay met the OddsPath threshold for BS3_Moderate (< 0.23), indicating that this variant did not impact protein function. Only 1 proband with primary open angle glaucoma had been reported (PMID: 9535666), not meeting the ≥ 2 probands threshold required to meet PS4_Supporting. In summary, this variant met the criteria to receive a score of -1 and to be classified as a variant of uncertain significance (uncertain significance classification range -1 to 5, adapted from PMID: 32720330) for primary open angle glaucoma based on the ACMG/AMP criteria met, as specified by the ClinGen Glaucoma VCEP (v2.0.0, 5 Dec 2024): BS3_Moderate, PM2_Supporting

Literature cited by the submitters: PubMed 10545602.

NM_000261.2(MYOC):c.1483G>A (p.Val495Ile)

Gene: MYOC (myocilin; minus strand). Cytogenetic location: 1q24.3.
Variant type: single nucleotide variant.
Coding change: c.1483G>A on transcript NM_000261.2 (MANE Select); coding-DNA position 1483, G replaced by A.
Protein change: p.Val495Ile; replaces valine 495 with isoleucine.
Molecular consequence: missense variant.
Genome position (GRCh38, 1-based): chr1:171,635,957, C>T on the plus strand (G>A on the coding strand, the complement: MYOC is on the minus strand). VCF-style: chr1-171635957-C-T. GRCh37 (hg19) VCF-style: chr1-171605097-C-T.
Other names: NM_000261.2:c.1483G>A; short protein forms V495I.
Identifiers: ClinVar variation 1686791 (VCV001686791.4), dbSNP rs2102944447, ClinGen allele CA343722912.